The following is an entry in ClinVar:

ClinVar aggregate classification (germline): Uncertain significance (1 of 4 stars; one submission).

Submission:

Labcorp Genetics (formerly Invitae), Labcorp
Classification: Uncertain significance. Last evaluated: 2022-08-28. Review status: criteria provided, single submitter. Criteria: Invitae Variant Classification Sherloc (09022015). Collection method: clinical testing. Allele origin: germline.
Comment: In summary, the available evidence is currently insufficient to determine the role of this variant in disease. Therefore, it has been classified as a Variant of Uncertain Significance. Algorithms developed to predict the effect of missense changes on protein structure and function (SIFT, PolyPhen-2, Align-GVGD) all suggest that this variant is likely to be tolerated. This variant has not been reported in the literature in individuals affected with CTNNB1-related conditions. This variant is not present in population databases (gnomAD no frequency). This sequence change replaces leucine, which is neutral and non-polar, with valine, which is neutral and non-polar, at codon 766 of the CTNNB1 protein (p.Leu766Val).

NM_001904.4(CTNNB1):c.2296C>G (p.Leu766Val)

Gene: CTNNB1 (catenin beta 1; plus strand). Cytogenetic location: 3p22.1.
Variant type: single nucleotide variant.
Coding change: c.2296C>G on transcript NM_001904.4 (MANE Select); coding-DNA position 2296, C replaced by G.
Protein change: p.Leu766Val; replaces leucine 766 with valine.
Molecular consequence: missense variant.
Genome position (GRCh38, 1-based): chr3:41,239,292, C>G. VCF-style: chr3-41239292-C-G. GRCh37 (hg19) VCF-style: chr3-41280783-C-G.
Other names: c.2296C>G, p.Leu766Val (NM_001098209.2, NM_001098210.2); c.2275C>G, p.Leu759Val (NM_001330729.2); short protein forms L759V, L766V.
Identifiers: ClinVar variation 1932684 (VCV001932684.5), dbSNP rs2125653978, ClinGen allele CA352237602.
Genomic context (GRCh38, chr3:41,239,292, plus strand): 5'-GCTGACTATCCAGTTGATGGGCTGCCAGATCTGGGGCATGCCCAGGACCTCATGGATGGG[C>G]TGCCTCCAGGTGACAGCAATCAGCTGGCCTGGTTTGATACTGACCTGTAAATCATCCTTT-3'
Protein context (NP_001895.1, residues 756-776): LGHAQDLMDG[Leu766Val]PPGDSNQLAW